The following is an entry in ClinVar:

ClinVar aggregate classification (germline): Uncertain significance (1 of 4 stars; one submission).

Conditions:
Hereditary nonpolyposis colorectal neoplasms. Identifiers: MedGen C0009405, MeSH D003123.

Submission:

Labcorp Genetics (formerly Invitae), Labcorp
Classification: Uncertain significance for Hereditary nonpolyposis colorectal neoplasms. Last evaluated: 2021-09-04. Review status: criteria provided, single submitter. Criteria: Invitae Variant Classification Sherloc (09022015). Collection method: clinical testing. Allele origin: germline.
Comment: Algorithms developed to predict the effect of missense changes on protein structure and function are either unavailable or do not agree on the potential impact of this missense change (SIFT: "Deleterious"; PolyPhen-2: "Probably Damaging"; Align-GVGD: "Class C0"). This variant has not been reported in the literature in individuals affected with MSH6-related conditions. This variant is not present in population databases (ExAC no frequency). This sequence change replaces asparagine with tyrosine at codon 455 of the MSH6 protein (p.Asn455Tyr). The asparagine residue is weakly conserved and there is a large physicochemical difference between asparagine and tyrosine. In summary, the available evidence is currently insufficient to determine the role of this variant in disease. Therefore, it has been classified as a Variant of Uncertain Significance.

NM_000179.3(MSH6):c.1363A>T (p.Asn455Tyr)

Gene: MSH6 (mutS homolog 6; plus strand). Cytogenetic location: 2p16.3.
Variant type: single nucleotide variant.
Coding change: c.1363A>T on transcript NM_000179.3 (MANE Select); coding-DNA position 1363, A replaced by T.
Protein change: p.Asn455Tyr; replaces asparagine 455 with tyrosine.
Molecular consequence: missense variant.
Genome position (GRCh38, 1-based): chr2:47,799,346, A>T. VCF-style: chr2-47799346-A-T. GRCh37 (hg19) VCF-style: chr2-48026485-A-T.
Other names: c.973A>T, p.Asn325Tyr (NM_001281492.2); c.457A>T, p.Asn153Tyr (NM_001281493.2, NM_001281494.2); short protein forms N153Y, N325Y, N455Y.
Identifiers: ClinVar variation 1347408 (VCV001347408.6), dbSNP rs2104339167, ClinGen allele CA346744787.